The following is an entry in ClinVar:

ClinVar aggregate classification (germline): Uncertain significance (1 of 4 stars; one submission).

Conditions:
Neutropenia, severe congenital, 2, autosomal dominant. Identifiers: Orphanet 486, MedGen C2751288, MONDO:0013139, OMIM 613107.

Submission:

Labcorp Genetics (formerly Invitae), Labcorp
Classification: Uncertain significance for Neutropenia, severe congenital, 2, autosomal dominant. Last evaluated: 2025-12-10. Review status: criteria provided, single submitter. Criteria: Invitae Variant Classification Sherloc (09022015). Collection method: clinical testing. Allele origin: germline.
Comment: This sequence change falls in intron 4 of the GFI1 gene. It does not directly change the encoded amino acid sequence of the GFI1 protein. It affects a nucleotide within the consensus splice site. This variant is not present in population databases (gnomAD no frequency). This variant has not been reported in the literature in individuals affected with GFI1-related conditions. Variants that disrupt the consensus splice site are a relatively common cause of aberrant splicing (PMID: 17576681, 9536098). Algorithms developed to predict the effect of sequence changes on RNA splicing suggest that this variant is not likely to affect RNA splicing. In summary, the available evidence is currently insufficient to determine the role of this variant in disease. Therefore, it has been classified as a Variant of Uncertain Significance.

Literature cited by the submitters: PubMed 17576681; PubMed 9536098.

NM_005263.5(GFI1):c.786+6G>C

Gene: GFI1 (growth factor independent 1 transcriptional repressor; minus strand). Cytogenetic location: 1p22.1.
Variant type: single nucleotide variant.
Coding change: c.786+6G>C on transcript NM_005263.5 (MANE Select); 6 bases into the intron after coding-DNA position 786, G replaced by C.
Molecular consequence: intron variant.
Genome position (GRCh38, 1-based): chr1:92,480,595, C>G on the plus strand (G>C on the coding strand, the complement: GFI1 is on the minus strand). VCF-style: chr1-92480595-C-G. GRCh37 (hg19) VCF-style: chr1-92946152-C-G.
Other names: c.786+6G>C (NM_001127216.3, NM_001127215.3).
Identifiers: ClinVar variation 4732922 (VCV004732922.1).